The following is an entry in ClinVar:

ClinVar aggregate classification (germline): Likely pathogenic (1 of 4 stars; one submission).

Conditions:
Intellectual developmental disorder, autosomal dominant 51. Also called: MENTAL RETARDATION, AUTOSOMAL DOMINANT 51; Intellectual disability, autosomal dominant 51. Identifiers: Orphanet 684226, MedGen C4540474, MONDO:0030917, OMIM 617788.

Submission:

Victorian Clinical Genetics Services, Murdoch Childrens Research Institute
Classification: Likely pathogenic for Intellectual developmental disorder, autosomal dominant 51. Last evaluated: 2020-05-25. Review status: criteria provided, single submitter. Criteria: ACMG Guidelines, 2015. Collection method: clinical testing. Allele origin: germline. Inheritance: Autosomal dominant inheritance. Affected: yes.
Comment: Based on the classification scheme VCGS_Germline_v1.1.0, this variant is classified as likely pathogenic. Following criteria are met: 0102 - Loss-of-function is a known mechanism of disease for this gene. (N) 0107 - This gene is known to be associated with autosomal dominant disease. (N) 0200 - Variant is predicted to result in a missense amino acid change from glutamic acid to lysine (exon 9). (N) 0251 - Variant is heterozygous. (N) 0301 - Variant is absent from gnomAD. (P) 0501 - Missense variant consistently predicted to be damaging by multiple in silico tools or highly conserved with a major amino acid change. (P) 0600 - Variant is located in a annotated domain or motif, (SET domain; PDB, NCBI). (N) 0603 - Missense variant in a region that is highly intolerant to missense variation (high constraint region). (P) 0705 - No comparable variants have previous evidence for pathogenicity. (N) 0807 - Variant has not previously been reported in a clinical context. 0905 - No segregation evidence has been identified for this variant. (N) 1007 - No published functional evidence has been identified for this variant. (P) Legend: (P) - Pathogenic, (N) - Neutral, (B) - Benign

NM_017635.5(KMT5B):c.904G>A (p.Glu302Lys)

Gene: KMT5B (lysine methyltransferase 5B; minus strand). Cytogenetic location: 11q13.2.
Variant type: single nucleotide variant.
Coding change: c.904G>A on transcript NM_017635.5 (MANE Select); coding-DNA position 904, G replaced by A.
Protein change: p.Glu302Lys; replaces glutamic acid 302 with lysine.
Molecular consequence: missense variant. On other transcripts: non-coding transcript variant (3).
Genome position (GRCh38, 1-based): chr11:68,171,088, C>T on the plus strand (G>A on the coding strand, the complement: KMT5B is on the minus strand). VCF-style: chr11-68171088-C-T. GRCh37 (hg19) VCF-style: chr11-67938555-C-T.
Other names: c.388G>A, p.Glu130Lys (NM_001300907.1, NM_001369424.1, NM_001369428.1 and 5 more transcripts); c.184G>A, p.Glu62Lys (NM_001300908.2); c.835G>A, p.Glu279Lys (NM_001300909.2); c.904G>A, p.Glu302Lys (NM_001363566.2, NM_001369426.1, NM_001369427.1 and 1 more transcripts); c.691G>A, p.Glu231Lys (NM_001369425.1); short protein forms E130K, E231K, E279K, E302K, E62K.
Identifiers: ClinVar variation 1805780 (VCV001805780.1), dbSNP rs2496380553, ClinGen allele CA381604886.